The following is an entry in ClinVar:

NM_001379500.1(COL18A1):c.3932dup (p.Arg1312fs)

Genes: COL18A1 (collagen type XVIII alpha 1 chain; plus strand), SLC19A1 (solute carrier family 19 member 1; minus strand). Cytogenetic location: 21q22.3.
Variant type: Duplication.
Coding change: c.3932dup on transcript NM_001379500.1 (MANE Select); coding-DNA position 3932, one base duplicated (G; older notation c.3932dupG).
Protein change: p.Arg1312fs; shifts the reading frame from arginine 1312.
Molecular consequence: frameshift variant.
Genome position (GRCh38, 1-based): chr21:45,512,310, G duplicated; the last of 6 consecutive G bases (chr21:45,512,305-45,512,310); duplicating any one gives the same sequence. VCF-style (leftmost placement, unchanged base first): chr21-45512304-T-TG. GRCh37 (hg19) VCF-style: chr21-46932218-T-TG.
Other names: c.4463dup, p.Arg1489fs (NM_030582.4); c.5168dup, p.Arg1724fs (NM_130444.3); short protein forms R1312fs, R1489fs, R1724fs.
Identifiers: ClinVar variation 2187583 (VCV002187583.2), dbSNP rs757303028, ClinGen allele CA10068136.

ClinVar aggregate classification (germline): Uncertain significance (1 of 4 stars; one submission).

Submission:

Labcorp Genetics (formerly Invitae), Labcorp
Classification: Uncertain significance. Last evaluated: 2021-12-18. Review status: criteria provided, single submitter. Criteria: Invitae Variant Classification Sherloc (09022015). Collection method: clinical testing. Allele origin: germline.
Comment: In summary, the available evidence is currently insufficient to determine the role of this variant in disease. Therefore, it has been classified as a Variant of Uncertain Significance. Experimental studies and prediction algorithms are not available or were not evaluated, and the functional significance of this variant is currently unknown. This variant has not been reported in the literature in individuals affected with COL18A1-related conditions. This variant is present in population databases (rs757303028, gnomAD 0.0009%). This sequence change creates a premature translational stop signal (p.Arg1309Glnfs*20) in the COL18A1 gene. While this is not anticipated to result in nonsense mediated decay, it is expected to disrupt the last 28 amino acid(s) of the COL18A1 protein.